The following is an entry in ClinVar:

NM_016203.4(PRKAG2):c.115-5C>T

Gene: PRKAG2 (protein kinase AMP-activated non-catalytic subunit gamma 2; minus strand). Cytogenetic location: 7q36.1.
Variant type: single nucleotide variant.
Coding change: c.115-5C>T on transcript NM_016203.4 (MANE Select); 5 bases into the intron before coding-DNA position 115, C replaced by T.
Molecular consequence: intron variant.
Genome position (GRCh38, 1-based): chr7:151,786,546, G>A on the plus strand (C>T on the coding strand, the complement: PRKAG2 is on the minus strand). VCF-style: chr7-151786546-G-A. GRCh37 (hg19) VCF-style: chr7-151483632-G-A.
Other names: c.115-5C>T (NM_001407031.1, NM_001407030.1, NM_001407023.1 and 2 more transcripts); c.148+27870C>T (NM_001407032.1); c.-18-5C>T (NM_001407026.1, NM_001040633.2, NM_001407033.1 and 2 more transcripts).
Identifiers: ClinVar variation 3054902 (VCV003054902.2), dbSNP rs2537961458, ClinGen allele CA2740094964.
Genomic context (GRCh38, chr7:151,786,546, plus strand): 5'-TTTCCGGAACCCTCCAGGTCTCCGTCCAGGAGCGGCATGGCGAAGGAGCTCAGGTCCTAG[G>A]GTGGACAGAGAGCACGTGGTCAGTGACAGTGGCCCTCGGGCCCAGGGGCTGCATGGAACT-3'

ClinVar aggregate classification (germline): Likely benign (0 of 4 stars; one submission).

Conditions:
PRKAG2-related disorder. Also called: PRKAG2-related disorders; PRKAG2-related condition.

Submission:

PreventionGenetics, part of Exact Sciences
Classification: Likely benign for PRKAG2-related condition. Last evaluated: 2022-09-07. Review status: no assertion criteria provided. Collection method: clinical testing. Allele origin: germline.
Comment: This variant is classified as likely benign based on ACMG/AMP sequence variant interpretation guidelines (Richards et al. 2015 PMID: 25741868, with internal and published modifications).